The following is an entry in ClinVar:

NM_198525.3(KIF7):c.1788+13T>C

Gene: KIF7 (kinesin family member 7; minus strand). Cytogenetic location: 15q26.1.
Variant type: single nucleotide variant.
Coding change: c.1788+13T>C on transcript NM_198525.3 (MANE Select); 13 bases into the intron after coding-DNA position 1788, T replaced by C.
Molecular consequence: intron variant.
Genome position (GRCh38, 1-based): chr15:89,646,817, A>G on the plus strand (T>C on the coding strand, the complement: KIF7 is on the minus strand). VCF-style: chr15-89646817-A-G. GRCh37 (hg19) VCF-style: chr15-90190048-A-G.
Identifiers: ClinVar variation 263138 (VCV000263138.26), dbSNP rs1110060, ClinGen allele CA7728465.
Genomic context (GRCh38, chr15:89,646,817, plus strand): 5'-TGCCCCCTTCCCCTGCCCCGAACTTGACCAGTCCAGCAGGGCCCACAGACACCCAGCCTC[A>G]CCCTCTTCTCACCTCTCCCCTCTGCTCAGAGCCAACTTCATCTCCAGGGAGGCAGGCAGG-3'

ClinVar aggregate classification (germline): Benign. Review status: criteria provided, multiple submitters, no conflicts (2 of 4 stars). 13 submissions from 11 submitters: Benign (10). 3 of the submissions do not count toward it. Last evaluated 2026-02-04.

Conditions:
Multiple epiphyseal dysplasia, Al-Gazali type. Also called: Macrocephaly with multiple epiphyseal dysplasia and distinctive facies. Identifiers: Orphanet 166024, MedGen C1846722, MONDO:0011778, OMIM 607131.
Hydrolethalus syndrome 2 (HLS2). Identifiers: Orphanet 2189, MedGen C3279899, MONDO:0013585, OMIM 614120.
Acrocallosal syndrome (ACLS). Also called: Schinzel syndrome 1; Absence of corpus callosum with unusual facial appearance, mental deficiency, duplication of the halluces and polydactyly; HALLUX DUPLICATION, POSTAXIAL POLYDACTYLY, AND ABSENCE OF CORPUS CALLOSUM. Identifiers: Orphanet 36, MedGen C0796147, MONDO:0008708, OMIM 200990.

Allele frequency attached by ClinVar (database versions not stated): 1000 Genomes Project 0.51178; 1000 Genomes Project 30x 0.51999; gnomAD exomes 0.55951 and 0.60243; ExAC 0.56967; TOPMed 0.58362; gnomAD 0.59982; ESP Exome Variant Server 0.61848.
gnomAD v4.1: 968,557 of 1,612,020 alleles (60%); highest among the groups gnomAD compares: Non-Finnish European, 63%; 294,590 homozygotes.

Submissions (13):

Labcorp Genetics (formerly Invitae), Labcorp
Classification: Benign for Acrocallosal syndrome. Last evaluated: 2026-02-04. Review status: criteria provided, single submitter. Criteria: Invitae Variant Classification Sherloc (09022015). Collection method: clinical testing. Allele origin: germline.

Blueprint Genetics
Classification: Benign. Last evaluated: 2024-11-28. Review status: criteria provided, single submitter. Criteria: ACMG Guidelines, 2015. Collection method: clinical testing. Allele origin: germline.

Genome-Nilou Lab
Classification: Benign for Multiple epiphyseal dysplasia, Al-Gazali type. Last evaluated: 2021-08-19. Review status: criteria provided, single submitter. Criteria: ACMG Guidelines, 2015. Collection method: clinical testing. Allele origin: germline. Affected: no.

Genome-Nilou Lab
Classification: Benign for Hydrolethalus syndrome 2. Last evaluated: 2021-08-19. Review status: criteria provided, single submitter. Criteria: ACMG Guidelines, 2015. Collection method: clinical testing. Allele origin: germline. Affected: no.

Genome-Nilou Lab
Classification: Benign for Acrocallosal syndrome. Last evaluated: 2021-08-19. Review status: criteria provided, single submitter. Criteria: ACMG Guidelines, 2015. Collection method: clinical testing. Allele origin: germline. Affected: no.

Illumina Laboratory Services, Illumina
Classification: Benign for Acrocallosal syndrome. Last evaluated: 2018-01-13. Review status: criteria provided, single submitter. Criteria: ICSL Variant Classification Criteria 13 December 2019. Collection method: clinical testing. Allele origin: germline.
Comment: This variant was observed in the ICSL laboratory as part of a predisposition screen in an ostensibly healthy population. It had not been previously curated by ICSL or reported in the Human Gene Mutation Database (HGMD: prior to June 1st, 2018), and was therefore a candidate for classification through an automated scoring system. Utilizing variant allele frequency, disease prevalence and penetrance estimates, and inheritance mode, an automated score was calculated to assess if this variant is too frequent to cause the disease. Based on the score and internal cut-off values, a variant classified as benign is not then subjected to further curation. The score for this variant resulted in a classification of benign for this disease.

Eurofins Ntd Llc (ga)
Classification: Benign. Last evaluated: 2016-05-12. Review status: criteria provided, single submitter. Criteria: EGL Classification Definitions 2015. Collection method: clinical testing. Allele origin: germline. Observed: 2 variant alleles, 1 heterozygote, 1 homozygote.

GeneDx
Classification: Benign. Last evaluated: 2015-03-03. Review status: criteria provided, single submitter. Criteria: GeneDx Variant Classification Process June 2021. Collection method: clinical testing. Allele origin: germline. Affected: yes.

Breakthrough Genomics
Classification: Benign. Review status: criteria provided, single submitter. Criteria: ACMG Guidelines, 2015. Collection method: not provided. Allele origin: germline. Inheritance: Autosomal recessive inheritance. Affected: yes.

PreventionGenetics, part of Exact Sciences
Classification: Benign. Review status: criteria provided, single submitter. Criteria: ACMG Guidelines, 2015. Collection method: clinical testing. Allele origin: germline.

Clinical Genetics DNA and cytogenetics Diagnostics Lab, Erasmus MC, Erasmus Medical Center
Classification: Benign. Review status: no assertion criteria provided. Collection method: clinical testing. Allele origin: germline. Affected: yes. Study: VKGL Data-share Consensus. Not counted in ClinVar's aggregate classification.

Clinical Genetics, Academic Medical Center
Classification: Benign. Review status: no assertion criteria provided. Collection method: clinical testing. Allele origin: germline. Affected: yes. Study: VKGL Data-share Consensus. Not counted in ClinVar's aggregate classification.

Genome Diagnostics Laboratory, University Medical Center Utrecht
Classification: Benign. Review status: no assertion criteria provided. Collection method: clinical testing. Allele origin: germline. Affected: yes. Study: VKGL Data-share Consensus. Not counted in ClinVar's aggregate classification.